The following is an entry in ClinVar:

ClinVar aggregate classification (germline): Pathogenic (1 of 4 stars; one submission).

Submission:

GeneDx
Classification: Pathogenic. Last evaluated: 2016-09-09. Review status: criteria provided, single submitter. Criteria: GeneDx Variant Classification (06012015). Collection method: clinical testing. Allele origin: germline. Affected: yes.
Comment: The W19X pathogenic variant in the C5orf42 gene has not been reported previously as a pathogenic variant nor as a benign variant, to our knowledge. This variant is predicted to cause loss of normal protein function either through protein truncation or nonsense-mediated mRNA decay. The W19X variant was not observed in approximately 2,300 individuals of European and African American ancestry in the NHLBI Exome Sequencing Project, indicating it is not a common benign variant in these populations. We interpret W19X as a pathogenic variant.

NM_001384732.1(CPLANE1):c.57G>A (p.Trp19Ter)

Gene: CPLANE1 (ciliogenesis and planar polarity effector complex subunit 1; minus strand). Cytogenetic location: 5p13.2.
Variant type: single nucleotide variant.
Coding change: c.57G>A on transcript NM_001384732.1 (MANE Select); coding-DNA position 57, G replaced by A.
Protein change: p.Trp19Ter; replaces tryptophan 19 with a stop codon.
Molecular consequence: nonsense.
Genome position (GRCh38, 1-based): chr5:37,247,642, C>T on the plus strand (G>A on the coding strand, the complement: CPLANE1 is on the minus strand). VCF-style: chr5-37247642-C-T. GRCh37 (hg19) VCF-style: chr5-37247744-C-T.
Other names: c.57G>A, p.Trp19Ter (NM_023073.4); short protein forms W19*.
Identifiers: ClinVar variation 280828 (VCV000280828.2), dbSNP rs886041966, ClinGen allele CA10602990.